The following is an entry in ClinVar:

NM_198576.4(AGRN):c.1105G>A (p.Val369Ile)

Gene: AGRN (agrin; plus strand). Cytogenetic location: 1p36.33.
Variant type: single nucleotide variant.
Coding change: c.1105G>A on transcript NM_198576.4 (MANE Select); coding-DNA position 1105, G replaced by A.
Protein change: p.Val369Ile; replaces valine 369 with isoleucine.
Molecular consequence: missense variant.
Genome position (GRCh38, 1-based): chr1:1,041,630, G>A. VCF-style: chr1-1041630-G-A. GRCh37 (hg19) VCF-style: chr1-977010-G-A.
Other names: c.1105G>A, p.Val369Ile (NM_001305275.2); c.790G>A, p.Val264Ile (NM_001364727.2); short protein forms V264I, V369I.
Identifiers: ClinVar variation 1493708 (VCV001493708.6), dbSNP rs2100635437, ClinGen allele CA337827201.

ClinVar aggregate classification (germline): Uncertain significance (1 of 4 stars; one submission).

Conditions:
Congenital myasthenic syndrome 8. Also called: Myasthenic syndrome, congenital, 8, with pre- and postsynaptic defects; MYASTHENIC SYNDROME, CONGENITAL, DUE TO AGRIN DEFICIENCY. Identifiers: Orphanet 590, MedGen C3808739, MONDO:0014052, OMIM 615120.

gnomAD v4.1: 3 of 1,611,398 alleles (0.00019%); highest among the groups gnomAD compares: Non-Finnish European, 0.00025%; no homozygotes.

Submission:

Labcorp Genetics (formerly Invitae), Labcorp
Classification: Uncertain significance for Congenital myasthenic syndrome 8. Last evaluated: 2022-06-04. Review status: criteria provided, single submitter. Criteria: Invitae Variant Classification Sherloc (09022015). Collection method: clinical testing. Allele origin: germline.
Comment: This sequence change replaces valine, which is neutral and non-polar, with isoleucine, which is neutral and non-polar, at codon 369 of the AGRN protein (p.Val369Ile). This variant is not present in population databases (gnomAD no frequency). This variant has not been reported in the literature in individuals affected with AGRN-related conditions. ClinVar contains an entry for this variant (Variation ID: 1493708). Algorithms developed to predict the effect of missense changes on protein structure and function output the following: SIFT: "Tolerated"; PolyPhen-2: "Benign"; Align-GVGD: "Class C0". The isoleucine amino acid residue is found in multiple mammalian species, which suggests that this missense change does not adversely affect protein function. In summary, the available evidence is currently insufficient to determine the role of this variant in disease. Therefore, it has been classified as a Variant of Uncertain Significance.